The following is an entry in ClinVar:

ClinVar aggregate classification (germline): Uncertain significance. Review status: criteria provided, multiple submitters, no conflicts (2 of 4 stars). 2 submissions from 2 submitters: Uncertain significance (2). Last evaluated 2025-02-07.

Conditions:
NLRC4-related disorder. Also called: NLRC4-related condition.

Allele frequency attached by ClinVar (database versions not stated): gnomAD 0.00001; TOPMed below 0.00001.

Submissions (2):

PreventionGenetics, part of Exact Sciences
Classification: Uncertain significance for NLRC4-related condition. Last evaluated: 2025-02-07. Review status: criteria provided, single submitter. Criteria: ACMG Guidelines, 2015. Collection method: clinical testing. Allele origin: germline.
Comment: The NLRC4 c.542G>A variant is predicted to result in the amino acid substitution p.Arg181Gln. To our knowledge, this variant has not been reported in the literature or in a large population database (gnomAD), indicating this variant is rare. At this time, the clinical significance of this variant is uncertain due to the absence of conclusive functional and genetic evidence.

CeGaT Center for Human Genetics Tuebingen
Classification: Uncertain significance. Last evaluated: 2023-02-01. Review status: criteria provided, single submitter. Criteria: CeGaT Center For Human Genetics Tuebingen Variant Classification Criteria Version 2. Collection method: clinical testing. Allele origin: germline. Affected: yes. Observed: 1 variant allele.
Comment: NLRC4: PM2, PM6, BP4

NM_001199138.2(NLRC4):c.542G>A (p.Arg181Gln)

Gene: NLRC4 (NLR family CARD domain containing 4; minus strand). Cytogenetic location: 2p22.3.
Variant type: single nucleotide variant.
Coding change: c.542G>A on transcript NM_001199138.2 (MANE Select); coding-DNA position 542, G replaced by A.
Protein change: p.Arg181Gln; replaces arginine 181 with glutamine.
Molecular consequence: missense variant. On other transcripts: intron variant (1).
Genome position (GRCh38, 1-based): chr2:32,251,322, C>T on the plus strand (G>A on the coding strand, the complement: NLRC4 is on the minus strand). VCF-style: chr2-32251322-C-T. GRCh37 (hg19) VCF-style: chr2-32476391-C-T.
Other names: c.542G>A, p.Arg181Gln (NM_001199139.2, NM_021209.5); c.262+1097G>A (NM_001302504.1); short protein forms R181Q.
Identifiers: ClinVar variation 2498813 (VCV002498813.29), dbSNP rs774856648, ClinGen allele CA346515645.